The following is an entry in ClinVar:

ClinVar aggregate classification (germline): Uncertain significance. Review status: criteria provided, multiple submitters, no conflicts (2 of 4 stars). 4 submissions from 4 submitters: Uncertain significance (4). Last evaluated 2026-09-24.

Conditions:
Autosomal recessive nonsyndromic hearing loss 18B. Also called: Deafness, autosomal recessive 18b. Identifiers: Orphanet 90636, MedGen C3554163, MONDO:0013985, OMIM 614945.

Allele frequency attached by ClinVar (database versions not stated): ExAC 0.00026; gnomAD exomes 0.00018; TOPMed 0.00009.
gnomAD v4.1: 413 of 1,549,328 alleles (0.027%); highest among the groups gnomAD compares: South Asian, 0.054%; no homozygotes.

Submissions (4):

GeneDx
Classification: Uncertain significance. Last evaluated: 2026-09-24. Review status: criteria provided, single submitter. Criteria: GeneDx Variant Classification Process June 2021. Collection method: clinical testing. Allele origin: germline.
Comment: In silico analysis suggests that this missense variant does not alter protein structure/function; Has not been previously published as pathogenic or benign to our knowledge

Revvity Omics, Revvity
Classification: Uncertain significance for Autosomal recessive nonsyndromic hearing loss 18B. Last evaluated: 2022-06-06. Review status: criteria provided, single submitter. Criteria: ACMG Guidelines, 2015. Collection method: clinical testing. Allele origin: germline.

Fulgent Genetics
Classification: Uncertain significance for Autosomal recessive nonsyndromic hearing loss 18B. Last evaluated: 2021-07-19. Review status: criteria provided, single submitter. Criteria: ACMG Guidelines, 2015. Collection method: clinical testing. Allele origin: unknown.

Eurofins Ntd Llc (ga)
Classification: Uncertain significance. Last evaluated: 2017-05-28. Review status: criteria provided, single submitter. Criteria: EGL Classification Definitions 2015. Collection method: clinical testing. Allele origin: germline. Observed: 1 variant allele, 1 heterozygote.

NM_001292063.2(OTOG):c.6181G>A (p.Val2061Met)

Gene: OTOG (otogelin; plus strand). Cytogenetic location: 11p15.1.
Variant type: single nucleotide variant.
Coding change: c.6181G>A on transcript NM_001292063.2 (MANE Select); coding-DNA position 6181, G replaced by A.
Protein change: p.Val2061Met; replaces valine 2061 with methionine.
Molecular consequence: missense variant.
Genome position (GRCh38, 1-based): chr11:17,612,219, G>A. VCF-style: chr11-17612219-G-A. GRCh37 (hg19) VCF-style: chr11-17633766-G-A.
Other names: c.6217G>A, p.Val2073Met (NM_001277269.2); short protein forms V2073M, V2061M.
Identifiers: ClinVar variation 502189 (VCV000502189.13), dbSNP rs748497956, ClinGen allele CA5906002.